The following is an entry in ClinVar:

ClinVar aggregate classification (germline): Likely benign. Review status: criteria provided, multiple submitters, no conflicts (2 of 4 stars). 2 submissions from 2 submitters: Likely benign (2). Last evaluated 2026-06-20.

Conditions:
IFT140-related disorder. Also called: IFT140-related condition.
Saldino-Mainzer syndrome (SRTD9). Also called: Renal dysplasia, retinal pigmentary dystrophy, cerebellar ataxia and skeletal dysplasia; short-rib thoracic dysplasia 9 with or without polydactyly; CONORENAL SYNDROME; SHORT-RIB THORACIC DYSPLASIA 9 WITHOUT POLYDACTYLY. Identifiers: Orphanet 140969, MedGen C1849437, MONDO:0009964, OMIM 266920.

Allele frequency attached by ClinVar (database versions not stated): gnomAD 0.00002; ExAC 0.00003; ESP Exome Variant Server 0.00015.
gnomAD v4.1: 34 of 1,614,072 alleles (0.0021%); highest among the groups gnomAD compares: East Asian, 0.027%; no homozygotes.

Submissions (2):

PreventionGenetics, part of Exact Sciences
Classification: Likely benign for IFT140-related condition. Last evaluated: 2026-06-20. Review status: criteria provided, single submitter. Criteria: ACMG Guidelines, 2015. Collection method: clinical testing. Allele origin: germline.
Comment: This variant is classified as likely benign based on ACMG/AMP sequence variant interpretation guidelines (Richards et al. 2015 PMID: 25741868, with internal and published modifications).

Labcorp Genetics (formerly Invitae), Labcorp
Classification: Likely benign for Saldino-Mainzer syndrome. Last evaluated: 2024-10-16. Review status: criteria provided, single submitter. Criteria: Invitae Variant Classification Sherloc (09022015). Collection method: clinical testing. Allele origin: germline.

NM_014714.4(IFT140):c.3717C>T (p.Ser1239=)

Gene: IFT140 (intraflagellar transport 140; minus strand). Cytogenetic location: 16p13.3.
Variant type: single nucleotide variant.
Coding change: c.3717C>T on transcript NM_014714.4 (MANE Select); coding-DNA position 3717, C replaced by T.
Protein change: p.Ser1239=; no amino-acid change (serine 1239 retained).
Molecular consequence: synonymous variant.
Genome position (GRCh38, 1-based): chr16:1,520,287, G>A on the plus strand (C>T on the coding strand, the complement: IFT140 is on the minus strand). VCF-style: chr16-1520287-G-A. GRCh37 (hg19) VCF-style: chr16-1570288-G-A.
Other names: c.3717C>T (NM_014714.3).
Identifiers: ClinVar variation 2065534 (VCV002065534.5), dbSNP rs148678744, ClinGen allele CA7813048.